The following is an entry in ClinVar:

ClinVar aggregate classification (germline): Uncertain significance. Review status: criteria provided, multiple submitters, no conflicts (2 of 4 stars). 3 submissions from 3 submitters: Uncertain significance (2). 1 of the submissions does not count toward it. Last evaluated 2025-10-27.

Conditions:
SON-related disorder. Also called: SON-related condition.
ZTTK syndrome (ZTTKS). Also called: ZTTK MULTIPLE CONGENITAL ANOMALIES-MENTAL RETARDATION SYNDROME; Zhu-Tokita-Takenouchi-Kim Syndrome. Identifiers: Orphanet 500150, MedGen C4310696, MONDO:0014936, OMIM 617140.

Allele frequency attached by ClinVar (database versions not stated): 1000 Genomes Project 30x 0.00016.

Submissions (3):

Labcorp Genetics (formerly Invitae), Labcorp
Classification: Uncertain significance. Last evaluated: 2025-10-27. Review status: criteria provided, single submitter. Criteria: Invitae Variant Classification Sherloc (09022015). Collection method: clinical testing. Allele origin: germline.
Comment: This sequence change replaces asparagine, which is neutral and polar, with lysine, which is basic and polar, at codon 1531 of the SON protein (p.Asn1531Lys). The frequency data for this variant in the population databases is considered unreliable, as metrics indicate poor data quality at this position in the gnomAD database. This variant has not been reported in the literature in individuals affected with SON-related conditions. ClinVar contains an entry for this variant (Variation ID: 1383387). An algorithm developed to predict the effect of missense changes on protein structure and function (PolyPhen-2) suggests that this variant is likely to be tolerated. In summary, the available evidence is currently insufficient to determine the role of this variant in disease. Therefore, it has been classified as a Variant of Uncertain Significance.

Revvity Omics, Revvity
Classification: Uncertain significance for ZTTK syndrome. Last evaluated: 2021-04-03. Review status: criteria provided, single submitter. Criteria: ACMG Guidelines, 2015. Collection method: clinical testing. Allele origin: germline.

PreventionGenetics, part of Exact Sciences
Classification: Uncertain significance for SON-related condition. Last evaluated: 2024-01-30. Review status: no assertion criteria provided. Collection method: clinical testing. Allele origin: germline. Not counted in ClinVar's aggregate classification.
Comment: The SON c.4593T>A variant is predicted to result in the amino acid substitution p.Asn1531Lys. To our knowledge, this variant has not been reported in the literature. This variant is reported in 0.0062% of alleles in individuals of European (Non-Finnish) descent in gnomAD. At this time, the clinical significance of this variant is uncertain due to the absence of conclusive functional and genetic evidence.

NM_138927.4(SON):c.4593T>A (p.Asn1531Lys)

Gene: SON (SON DNA and RNA binding protein; plus strand). Cytogenetic location: 21q22.11.
Variant type: single nucleotide variant.
Coding change: c.4593T>A on transcript NM_138927.4 (MANE Select); coding-DNA position 4593, T replaced by A.
Protein change: p.Asn1531Lys; replaces asparagine 1531 with lysine.
Molecular consequence: missense variant. On other transcripts: non-coding transcript variant (1), intron variant (1).
Genome position (GRCh38, 1-based): chr21:33,553,824, T>A. VCF-style: chr21-33553824-T-A. GRCh37 (hg19) VCF-style: chr21-34926130-T-A.
Other names: c.4593T>A (NM_032195.2, NM_138927.2); c.4593T>A, p.Asn1531Lys (NM_001291411.2, NM_032195.3); c.245-3332T>A (NM_001291412.3); short protein forms N1531K.
Identifiers: ClinVar variation 1383387 (VCV001383387.12), dbSNP rs73900350, ClinGen allele CA10009566.
Genomic context (GRCh38, chr21:33,553,824, plus strand): 5'-AGAACCACATGCTGAGGAACACCTGAAAGGTGACTTTTACGAAAGTGAACATGGTATAAA[T>A]ATAGACCTTAATATAAATAATCATTTAATTGCTAAAGAGATGGAACATAATACAGTGTGT-3'
Protein context (NP_620305.3, residues 1521-1541): GDFYESEHGI[Asn1531Lys]IDLNINNHLI